The following is an entry in ClinVar:

ClinVar aggregate classification (germline): Uncertain significance. Review status: criteria provided, multiple submitters, no conflicts (2 of 4 stars). 2 submissions from 2 submitters: Uncertain significance (2). Last evaluated 2023-07-05.

Conditions:
Hereditary cancer-predisposing syndrome. Also called: Neoplastic Syndromes, Hereditary; Hereditary Cancer Syndrome; Hereditary neoplastic syndrome; Tumor predisposition. Identifiers: Orphanet 140162, MedGen C0027672, MeSH D009386, MONDO:0015356.
Familial cancer of breast. Also called: BREAST CANCER, FAMILIAL; Hereditary breast cancer; hereditary breast carcinoma. Identifiers: Orphanet 227535, MedGen C0346153, MONDO:0016419, OMIM 114480. Disease mechanism: loss of function.

Submissions (2):

Ambry Genetics
Classification: Uncertain significance for Hereditary cancer-predisposing syndrome. Last evaluated: 2023-07-05. Review status: criteria provided, single submitter. Criteria: Ambry Variant Classification Scheme 2023. Collection method: clinical testing. Allele origin: germline.
Comment: The p.E658D variant (also known as c.1974A>C), located in coding exon 5 of the PALB2 gene, results from an A to C substitution at nucleotide position 1974. The glutamic acid at codon 658 is replaced by aspartic acid, an amino acid with highly similar properties. This amino acid position is not well conserved in available vertebrate species. In addition, this alteration is predicted to be tolerated by in silico analysis. Since supporting evidence is limited at this time, the clinical significance of this alteration remains unclear.

Labcorp Genetics (formerly Invitae), Labcorp
Classification: Uncertain significance for Familial cancer of breast. Last evaluated: 2017-02-06. Review status: criteria provided, single submitter. Criteria: Invitae Variant Classification Sherloc (09022015). Collection method: clinical testing. Allele origin: germline.
Comment: In summary, this variant is a novel missense change that is not predicted to affect protein function. There is no indication that it causes disease, but the available evidence is currently insufficient to prove that conclusively. Therefore, it has been classified as a Variant of Uncertain Significance. Algorithms developed to predict the effect of missense changes on protein structure and function (SIFT, PolyPhen-2, Align-GVGD) all suggest that this variant is likely to be tolerated, but these predictions have not been confirmed by published functional studies. This variant is not present in population databases (ExAC no frequency) and has not been reported in the literature in individuals with a PALB2-related disease. This sequence change replaces glutamic acid with aspartic acid at codon 658 of the PALB2 protein (p.Glu658Asp). The glutamic acid residue is moderately conserved and there is a small physicochemical difference between glutamic acid and aspartic acid.

NM_024675.4(PALB2):c.1974A>C (p.Glu658Asp)

Gene: PALB2 (partner and localizer of BRCA2; minus strand). Cytogenetic location: 16p12.2.
Variant type: single nucleotide variant.
Coding change: c.1974A>C on transcript NM_024675.4 (MANE Select); coding-DNA position 1974, A replaced by C.
Protein change: p.Glu658Asp; replaces glutamic acid 658 with aspartic acid.
Molecular consequence: missense variant.
Genome position (GRCh38, 1-based): chr16:23,630,180, T>G on the plus strand (A>C on the coding strand, the complement: PALB2 is on the minus strand). VCF-style: chr16-23630180-T-G. GRCh37 (hg19) VCF-style: chr16-23641501-T-G.
Other names: short protein forms E658D.
Identifiers: ClinVar variation 460920 (VCV000460920.11), dbSNP rs1057522241, ClinGen allele CA395127300.